The following is an entry in ClinVar:

NM_000059.4(BRCA2):c.6079dup (p.Arg2027fs)

Gene: BRCA2 (BRCA2 DNA repair associated; plus strand). Cytogenetic location: 13q13.1.
Variant type: Duplication.
Coding change: c.6079dup on transcript NM_000059.4 (MANE Select); coding-DNA position 6079, one base duplicated (A; older notation c.6079dupA).
Protein change: p.Arg2027fs; shifts the reading frame from arginine 2027.
Molecular consequence: frameshift variant.
Genome position (GRCh38, 1-based): chr13:32,340,434, A duplicated; the last of 2 consecutive A bases (chr13:32,340,433-32,340,434); duplicating either gives the same sequence. VCF-style (leftmost placement, unchanged base first): chr13-32340432-C-CA. GRCh37 (hg19) VCF-style: chr13-32914569-C-CA.
Other names: 6307_6308insA; 6307insA; c.6079dupA (NM_000059.3); short protein forms R2027fs.
Identifiers: ClinVar variation 52005 (VCV000052005.27), dbSNP rs397507826, ClinGen allele CA023617.

ClinVar aggregate classification (germline): Pathogenic. Review status: reviewed by expert panel (3 of 4 stars). 13 submissions from 12 submitters: Pathogenic (1). 12 of the submissions do not count toward it. Last evaluated 2016-04-22.

Conditions:
Breast and/or ovarian cancer. Identifiers: MedGen CN221562.
Hereditary breast ovarian cancer syndrome. Also called: Hereditary breast and ovarian cancer syndrome; Hereditary breast and ovarian cancer; Hereditary breast and ovarian cancer syndrome (HBOC); Breast and ovarian cancer; Hereditary breast and/or ovarian cancer syndrome; BRCA1- and BRCA2-Associated Hereditary Breast and Ovarian Cancer. Identifiers: Orphanet 145, MedGen C0677776, MeSH D061325, MONDO:0003582. Disease mechanism: loss of function.
Inherited ovarian cancer (without breast cancer).
Hereditary cancer-predisposing syndrome. Also called: Neoplastic Syndromes, Hereditary; Tumor predisposition; Hereditary neoplastic syndrome; Hereditary Cancer Syndrome. Identifiers: Orphanet 140162, MedGen C0027672, MeSH D009386, MONDO:0015356.
Inherited breast cancer and ovarian cancer.
Breast-ovarian cancer, familial, susceptibility to, 2 (BROVCA2). Also called: BRCA2 Hereditary Breast and Ovarian Cancer. Identifiers: Orphanet 145, MedGen C2675520, MONDO:0012933, OMIM 612555. Disease mechanism: loss of function.

Submissions (13):

Evidence-based Network for the Interpretation of Germline Mutant Alleles (ENIGMA)
Classification: Pathogenic for Breast-ovarian cancer, familial, susceptibility to, 2. Last evaluated: 2016-04-22. Review status: reviewed by expert panel. Criteria: ENIGMA BRCA1/2 Classification Criteria (2015). Collection method: curation. Allele origin: germline.
Comment: Variant allele predicted to encode a truncated non-functional protein.

Labcorp Genetics (formerly Invitae), Labcorp
Classification: Pathogenic for Hereditary breast ovarian cancer syndrome. Last evaluated: 2026-01-26. Review status: criteria provided, single submitter. Criteria: Invitae Variant Classification Sherloc (09022015). Collection method: clinical testing. Allele origin: germline. Not counted in ClinVar's aggregate classification.
Comment: This sequence change creates a premature translational stop signal (p.Arg2027Lysfs*22) in the BRCA2 gene. It is expected to result in an absent or disrupted protein product. Loss-of-function variants in BRCA2 are known to be pathogenic (PMID: 20104584). This variant is present in population databases (rs749927339, gnomAD 0.0009%). This premature translational stop signal has been observed in individual(s) with breast and/or ovarian cancer (PMID: 14574168, 21120943, 24728189). This variant is also known as 6308insA. ClinVar contains an entry for this variant (Variation ID: 52005). For these reasons, this variant has been classified as Pathogenic.

Cambridge Genomics Laboratory, East Genomic Laboratory Hub, NHS Genomic Medicine Service
Classification: Pathogenic for Inherited ovarian cancer (without breast cancer). Last evaluated: 2025-12-05. Review status: criteria provided, single submitter. Criteria: ACGS Best Practice Guidelines for Variant Classification in Rare Disease 2020. Collection method: clinical testing. Allele origin: germline. Affected: yes. Not counted in ClinVar's aggregate classification.
Comment: PVS1,PM2_Supporting,PM5_Strong

Cambridge Genomics Laboratory, East Genomic Laboratory Hub, NHS Genomic Medicine Service
Classification: Pathogenic for Inherited breast cancer and ovarian cancer. Last evaluated: 2024-07-10. Review status: criteria provided, single submitter. Criteria: ACGS Best Practice Guidelines for Variant Classification in Rare Disease 2020. Collection method: clinical testing. Allele origin: germline. Affected: yes. Not counted in ClinVar's aggregate classification.
Comment: the same text as in the submission from Cambridge Genomics Laboratory, East Genomic Laboratory Hub, NHS Genomic Medicine Service above.

Women's Health and Genetics/Laboratory Corporation of America, LabCorp
Classification: Pathogenic for Hereditary breast ovarian cancer syndrome. Last evaluated: 2023-08-04. Review status: criteria provided, single submitter. Criteria: LabCorp Variant Classification Summary - May 2015. Collection method: clinical testing. Allele origin: germline. Not counted in ClinVar's aggregate classification.
Comment: Variant summary: BRCA2 c.6079dupA (p.Arg2027LysfsX22) results in a premature termination codon, predicted to cause a truncation of the encoded protein or absence of the protein due to nonsense mediated decay, which are commonly known mechanisms for disease. The variant allele was found at a frequency of 4e-06 in 250972 control chromosomes (gnomAD). c.6079dupA has been reported in the literature in multiple individuals affected with Hereditary Breast And/or Ovarian Cancer (examples: Spearman_2008, Evans_2008, Song_2014, Castera_2014). These data indicate that the variant is very likely to be associated with disease. The following publications have been ascertained in the context of this evaluation (PMID: 18824701, 17636422, 24728189, 24549055). Eight submitters have cited clinical-significance assessments for this variant to ClinVar after 2014. All submitters classified the variant as pathogenic. Based on the evidence outlined above, the variant was classified as pathogenic.

Ambry Genetics
Classification: Pathogenic for Hereditary cancer-predisposing syndrome. Last evaluated: 2023-07-26. Review status: criteria provided, single submitter. Criteria: Ambry Variant Classification Scheme 2023. Collection method: clinical testing. Allele origin: germline. Not counted in ClinVar's aggregate classification.
Comment: The c.6079dupA pathogenic mutation, located in coding exon 10 of the BRCA2 gene, results from a duplication of A at nucleotide position 6079, causing a translational frameshift with a predicted alternate stop codon (p.R2027Kfs*22). This alteration has been described in numerous breast and ovarian cancer cohorts (Evans DG et al. Fam. Cancer. 2008 Jul;7(2):113-117; Song H et al. Hum. Mol. Genet. 2014 Sep;23(17):4703-4709; Copson ER et al. Lancet Oncol. 2018 02;19(2):169-180; Rebbeck TR et al. Hum. Mutat. 2018 05;39(5):593-620.). In addition to the clinical data presented in the literature, this alteration is expected to result in loss of function by premature protein truncation or nonsense-mediated mRNA decay. As such, this alteration is interpreted as a disease-causing mutation.

Color Diagnostics, LLC DBA Color Health
Classification: Pathogenic for Hereditary cancer-predisposing syndrome. Last evaluated: 2020-12-07. Review status: criteria provided, single submitter. Criteria: ACMG Guidelines, 2015. Collection method: clinical testing. Allele origin: germline. Not counted in ClinVar's aggregate classification.
Comment: This variant inserts 1 nucleotide in exon 11 of the BRCA2 gene, creating a frameshift and premature translation stop signal. This variant is expected to result in an absent or non-functional protein product. To our knowledge, functional studies have not been reported for this variant. This variant has been reported in individuals affected with breast or ovarian cancer (PMID: 17636422, 21120943, 24549055, 24728189, 27153395). This variant has been identified in 1/250972 chromosomes in the general population by the Genome Aggregation Database (gnomAD). Loss of BRCA2 function is a known mechanism of disease. Based on the available evidence, this variant is classified as Pathogenic.

CHEO Genetics Diagnostic Laboratory, Children's Hospital of Eastern Ontario
Classification: Pathogenic for Breast and/or ovarian cancer. Last evaluated: 2017-09-07. Review status: criteria provided, single submitter. Criteria: ACMG Guidelines, 2015. Collection method: clinical testing. Allele origin: germline. Study: Canadian Open Genetics Repository. Not counted in ClinVar's aggregate classification.

Quest Diagnostics Nichols Institute San Juan Capistrano
Classification: Pathogenic. Last evaluated: 2017-03-31. Review status: criteria provided, single submitter. Criteria: Quest Diagnostics criteria. Collection method: clinical testing. Allele origin: germline. Not counted in ClinVar's aggregate classification.

Consortium of Investigators of Modifiers of BRCA1/2 (CIMBA), c/o University of Cambridge
Classification: Pathogenic for Breast-ovarian cancer, familial, susceptibility to, 2. Last evaluated: 2015-10-02. Review status: criteria provided, single submitter. Criteria: CIMBA Mutation Classification guidelines May 2016. Collection method: clinical testing. Allele origin: germline. Not counted in ClinVar's aggregate classification.

Counsyl
Classification: Pathogenic for Breast-ovarian cancer, familial, susceptibility to, 2. Last evaluated: 2015-12-16. Review status: no assertion criteria provided. Collection method: clinical testing. Allele origin: unknown. Not counted in ClinVar's aggregate classification.

Research Molecular Genetics Laboratory, Women's College Hospital, University of Toronto
Classification: Pathogenic for Hereditary breast ovarian cancer syndrome. Last evaluated: 2014-01-31. Review status: no assertion criteria provided. Collection method: research. Allele origin: germline. Affected: yes. Study: The Canadian Open Genetics Repository (COGR). Not counted in ClinVar's aggregate classification.

Sharing Clinical Reports Project (SCRP)
Classification: Pathogenic for Breast-ovarian cancer, familial 2. Last evaluated: 2012-05-01. Review status: no assertion criteria provided. Collection method: clinical testing. Allele origin: germline. Not counted in ClinVar's aggregate classification.

Literature cited by the submitters: PubMed 20104584 (cited by Labcorp Genetics (formerly Invitae), Labcorp); PubMed 14574168 (cited by Labcorp Genetics (formerly Invitae), Labcorp and Quest Diagnostics Nichols Institute San Juan Capistrano); PubMed 21120943 (cited by 3 submitters); PubMed 24728189 (cited by 4 submitters); PubMed 18824701 (cited by Women's Health and Genetics/Laboratory Corporation of America, LabCorp); PubMed 17636422 (cited by 3 submitters); PubMed 24549055 (cited by Women's Health and Genetics/Laboratory Corporation of America, LabCorp and Quest Diagnostics Nichols Institute San Juan Capistrano).